The following is an entry in ClinVar:

ClinVar aggregate classification (germline): Benign. Review status: criteria provided, multiple submitters, no conflicts (2 of 4 stars). 2 submissions from 2 submitters: Benign (2). Last evaluated 2025-09-03.

Allele frequency attached by ClinVar (database versions not stated): gnomAD 0.00007; gnomAD exomes 0.00007 and 0.00019; ESP Exome Variant Server 0.00008; TOPMed 0.00011; ExAC 0.00014.
gnomAD v4.1: 116 of 1,614,036 alleles (0.0072%); highest among the groups gnomAD compares: East Asian, 0.1%; no homozygotes.

Submissions (2):

Mayo Clinic Laboratories, Mayo Clinic
Classification: Benign. Last evaluated: 2025-09-03. Review status: criteria provided, single submitter. Criteria: ACMG Guidelines, 2015. Collection method: clinical testing. Allele origin: germline. Observed: 1 variant allele.
Comment: BS1, BS2, BP4, BP7

Labcorp Genetics (formerly Invitae), Labcorp
Classification: Benign. Last evaluated: 2023-08-04. Review status: criteria provided, single submitter. Criteria: Invitae Variant Classification Sherloc (09022015). Collection method: clinical testing. Allele origin: germline.

NM_002608.4(PDGFB):c.699G>A (p.Thr233=)

Gene: PDGFB (platelet derived growth factor subunit B; minus strand). Cytogenetic location: 22q13.1.
Variant type: single nucleotide variant.
Coding change: c.699G>A on transcript NM_002608.4 (MANE Select); coding-DNA position 699, G replaced by A.
Protein change: p.Thr233=; no amino-acid change (threonine 233 retained).
Molecular consequence: synonymous variant.
Genome position (GRCh38, 1-based): chr22:39,225,750, C>T on the plus strand (G>A on the coding strand, the complement: PDGFB is on the minus strand). VCF-style: chr22-39225750-C-T. GRCh37 (hg19) VCF-style: chr22-39621755-C-T.
Other names: p.Thr233=; c.654G>A, p.Thr218= (NM_033016.3).
Identifiers: ClinVar variation 1600252 (VCV001600252.9), dbSNP rs114397423, ClinGen allele CA10240010.